The following is an entry in ClinVar:

NM_000512.5(GALNS):c.892G>T (p.Glu298Ter)

Gene: GALNS (galactosamine (N-acetyl)-6-sulfatase; minus strand). Cytogenetic location: 16q24.3.
Variant type: single nucleotide variant.
Coding change: c.892G>T on transcript NM_000512.5 (MANE Select); coding-DNA position 892, G replaced by T.
Protein change: p.Glu298Ter; replaces glutamic acid 298 with a stop codon.
Molecular consequence: nonsense.
Genome position (GRCh38, 1-based): chr16:88,835,219, C>A on the plus strand (G>T on the coding strand, the complement: GALNS is on the minus strand). VCF-style: chr16-88835219-C-A. GRCh37 (hg19) VCF-style: chr16-88901627-C-A.
Other names: c.337G>T, p.Glu113Ter (NM_001323543.2); c.910G>T, p.Glu304Ter (NM_001323544.2); short protein forms E304*, E113*, E298*.
Identifiers: ClinVar variation 1453291 (VCV001453291.6), dbSNP rs767319971, ClinGen allele CA397075866.

ClinVar aggregate classification (germline): Pathogenic (1 of 4 stars; one submission).

Conditions:
Mucopolysaccharidosis, MPS-IV-A (MPS4A). Also called: MPS IVA; GALACTOSAMINE-6-SULFATASE DEFICIENCY; GALNS DEFICIENCY; MORQUIO A DISEASE; Morquio syndrome A, mild; MORQUIO SYNDROME A. Identifiers: Orphanet 309297, Orphanet 582, MedGen C0086651, MONDO:0009659, OMIM 253000.

Submission:

Labcorp Genetics (formerly Invitae), Labcorp
Classification: Pathogenic for Mucopolysaccharidosis, MPS-IV-A. Last evaluated: 2024-02-22. Review status: criteria provided, single submitter. Criteria: Invitae Variant Classification Sherloc (09022015). Collection method: clinical testing. Allele origin: germline.
Comment: This sequence change creates a premature translational stop signal (p.Glu298*) in the GALNS gene. It is expected to result in an absent or disrupted protein product. Loss-of-function variants in GALNS are known to be pathogenic (PMID: 12442278). This variant is not present in population databases (gnomAD no frequency). This premature translational stop signal has been observed in individual(s) with mucopolysaccharidosis type IVA (Invitae). It has also been observed to segregate with disease in related individuals. ClinVar contains an entry for this variant (Variation ID: 1453291). For these reasons, this variant has been classified as Pathogenic.

Literature cited by the submitters: PubMed 12442278.